The following is an entry in ClinVar:

ClinVar aggregate classification (germline): Uncertain significance (1 of 4 stars; one submission).

Conditions:
Hypertrophic cardiomyopathy. Also called: HYPERTROPHIC MYOCARDIOPATHY. Identifiers: Orphanet 217569, MedGen C0007194, MeSH D002312, MONDO:0005045, HP:0001639.

Submission:

Labcorp Genetics (formerly Invitae), Labcorp
Classification: Uncertain significance for Hypertrophic cardiomyopathy. Last evaluated: 2019-12-11. Review status: criteria provided, single submitter. Criteria: Invitae Variant Classification Sherloc (09022015). Collection method: clinical testing. Allele origin: germline.
Comment: This variant results in a copy number gain of the genomic region encompassing exons 27-40 of the MYH7 gene. The 5' boundary is likely confined to exon 27. The 3' end of this event is unknown as it extends beyond the assayed region for this gene and therefore may encompass additional genes. As the precise location of this event is unknown, it may be in tandem or it may be located elsewhere in the genome. This variant has not been reported in the literature in individuals with MYH7-related disease. Experimental studies are not available for this variant, and the functional significance of a copy number gain of these exons is currently unknown. In summary, the available evidence is currently insufficient to determine the role of this variant in disease. Therefore, it has been classified as a Variant of Uncertain Significance.

NC_000014.9:g.(?_23412854)_(23420244_?)dup

Genes: MIR208B (microRNA 208b; minus strand), MYH7 (myosin heavy chain 7; minus strand). Cytogenetic location: 14q11.2.
Variant type: Duplication.
Identifiers: ClinVar variation 831393 (VCV000831393.3).